The following is an entry in ClinVar:

ClinVar aggregate classification (germline): Uncertain significance. Review status: criteria provided, multiple submitters, no conflicts (2 of 4 stars). 2 submissions from 2 submitters: Uncertain significance (2). Last evaluated 2022-09-27.

Conditions:
LAMA2-related muscular dystrophy (LAMA2-RD). Also called: Laminin alpha 2-related dystrophy. Identifiers: MedGen C5679788, MONDO:0100228.

gnomAD v4.1: 6 of 1,535,130 alleles (0.00039%); highest among the groups gnomAD compares: Admixed American, 0.0083%; no homozygotes.

Submissions (2):

Labcorp Genetics (formerly Invitae), Labcorp
Classification: Uncertain significance for LAMA2-related muscular dystrophy. Last evaluated: 2022-09-27. Review status: criteria provided, single submitter. Criteria: Invitae Variant Classification Sherloc (09022015). Collection method: clinical testing. Allele origin: germline.
Comment: This sequence change falls in intron 38 of the LAMA2 gene. It does not directly change the encoded amino acid sequence of the LAMA2 protein. It affects a nucleotide within the consensus splice site. This variant is not present in population databases (gnomAD no frequency). This variant has not been reported in the literature in individuals affected with LAMA2-related conditions. ClinVar contains an entry for this variant (Variation ID: 856147). Variants that disrupt the consensus splice site are a relatively common cause of aberrant splicing (PMID: 17576681, 9536098). Algorithms developed to predict the effect of sequence changes on RNA splicing suggest that this variant may create or strengthen a splice site. In summary, the available evidence is currently insufficient to determine the role of this variant in disease. Therefore, it has been classified as a Variant of Uncertain Significance.

Blueprint Genetics
Classification: Uncertain significance. Last evaluated: 2018-08-30. Review status: criteria provided, single submitter. Criteria: ACMG Guidelines, 2015. Collection method: clinical testing. Allele origin: germline.

Literature cited by the submitters: PubMed 17576681 (cited by Labcorp Genetics (formerly Invitae), Labcorp); PubMed 9536098 (cited by Labcorp Genetics (formerly Invitae), Labcorp).

NM_000426.4(LAMA2):c.5562+3G>T

Gene: LAMA2 (laminin subunit alpha 2; plus strand). Cytogenetic location: 6q22.33.
Variant type: single nucleotide variant.
Coding change: c.5562+3G>T on transcript NM_000426.4 (MANE Select); 3 bases into the intron after coding-DNA position 5562, G replaced by T.
Molecular consequence: intron variant.
Genome position (GRCh38, 1-based): chr6:129,401,343, G>T. VCF-style: chr6-129401343-G-T. GRCh37 (hg19) VCF-style: chr6-129722488-G-T.
Other names: c.5562+3G>T (NM_001079823.2).
Identifiers: ClinVar variation 856147 (VCV000856147.6), dbSNP rs1779963603, ClinGen allele CA916081486.